The following is an entry in ClinVar:

NM_000901.5(NR3C2):c.2091A>C (p.Pro697=)

Gene: NR3C2 (nuclear receptor subfamily 3 group C member 2; minus strand). Cytogenetic location: 4q31.23.
Variant type: single nucleotide variant.
Coding change: c.2091A>C on transcript NM_000901.5 (MANE Select); coding-DNA position 2091, A replaced by C.
Protein change: p.Pro697=; no amino-acid change (proline 697 retained).
Molecular consequence: synonymous variant. On other transcripts: intron variant (2).
Genome position (GRCh38, 1-based): chr4:148,154,825, T>G on the plus strand (A>C on the coding strand, the complement: NR3C2 is on the minus strand). VCF-style: chr4-148154825-T-G. GRCh37 (hg19) VCF-style: chr4-149075976-T-G.
Other names: c.2015-2212A>C (NM_001354819.1, NM_001166104.2).
Identifiers: ClinVar variation 900748 (VCV000900748.5), dbSNP rs748615309, ClinGen allele CA3100173.

ClinVar aggregate classification (germline): Benign. Review status: criteria provided, multiple submitters, no conflicts (2 of 4 stars). 2 submissions from 2 submitters: Benign (2). Last evaluated 2018-03-06.

Conditions:
Autosomal dominant pseudohypoaldosteronism type 1. Also called: Pseudohypoaldosteronism, Type I, Dominant; Pseudohypoaldosteronism, Type I, Autosomal Dominant; PHA I, AUTOSOMAL DOMINANT. Identifiers: Orphanet 171871, Orphanet 756, MedGen C1449842, MONDO:0008329, OMIM 177735.

Allele frequency attached by ClinVar (database versions not stated): ExAC 0.00064.

Submissions (2):

Illumina Laboratory Services, Illumina
Classification: Benign for Autosomal dominant pseudohypoaldosteronism type 1. Last evaluated: 2018-03-06. Review status: criteria provided, single submitter. Criteria: ICSL Variant Classification Criteria 13 December 2019. Collection method: clinical testing. Allele origin: germline.
Comment: This variant was observed in the ICSL laboratory as part of a predisposition screen in an ostensibly healthy population. It had not been previously curated by ICSL or reported in the Human Gene Mutation Database (HGMD: prior to June 1st, 2018), and was therefore a candidate for classification through an automated scoring system. Utilizing variant allele frequency, disease prevalence and penetrance estimates, and inheritance mode, an automated score was calculated to assess if this variant is too frequent to cause the disease. Based on the score and internal cut-off values, a variant classified as benign is not then subjected to further curation. The score for this variant resulted in a classification of benign for this disease.

Breakthrough Genomics
Classification: Benign. Review status: criteria provided, single submitter. Criteria: ACMG Guidelines, 2015. Collection method: not provided. Allele origin: germline. Inheritance: Autosomal dominant inheritance. Affected: yes.